The following is an entry in ClinVar:

ClinVar aggregate classification (germline): Uncertain significance (1 of 4 stars; one submission).

Conditions:
Aortic aneurysm, familial thoracic 7 (AAT7). Also called: AORTIC DISSECTION, FAMILIAL, WITH OR WITHOUT AORTIC ANEURYSM. Identifiers: MedGen C3151077, MONDO:0013418, OMIM 613780.

Submission:

Labcorp Genetics (formerly Invitae), Labcorp
Classification: Uncertain significance for Aortic aneurysm, familial thoracic 7. Last evaluated: 2024-08-08. Review status: criteria provided, single submitter. Criteria: Invitae Variant Classification Sherloc (09022015). Collection method: clinical testing. Allele origin: germline.
Comment: This sequence change replaces glutamic acid, which is acidic and polar, with valine, which is neutral and non-polar, at codon 1798 of the MYLK protein (p.Glu1798Val). This variant is not present in population databases (gnomAD no frequency). This variant has not been reported in the literature in individuals affected with MYLK-related conditions. Advanced modeling of protein sequence and biophysical properties (such as structural, functional, and spatial information, amino acid conservation, physicochemical variation, residue mobility, and thermodynamic stability) performed at Invitae indicates that this missense variant is not expected to disrupt MYLK protein function with a negative predictive value of 80%. In summary, the available evidence is currently insufficient to determine the role of this variant in disease. Therefore, it has been classified as a Variant of Uncertain Significance.

NM_053025.4(MYLK):c.5393A>T (p.Glu1798Val)

Genes: MYLK-AS1 (MYLK antisense RNA 1; plus strand), MYLK (myosin light chain kinase; minus strand). Cytogenetic location: 3q21.1.
Variant type: single nucleotide variant.
Coding change: c.5393A>T on transcript NM_053025.4 (MANE Select); coding-DNA position 5393, A replaced by T.
Protein change: p.Glu1798Val; replaces glutamic acid 1798 with valine.
Molecular consequence: missense variant.
Genome position (GRCh38, 1-based): chr3:123,618,746, T>A on the plus strand (A>T on the coding strand, the complement: MYLK is on the minus strand). VCF-style: chr3-123618746-T-A. GRCh37 (hg19) VCF-style: chr3-123337593-T-A.
Other names: c.4865A>T, p.Glu1622Val (NM_001321309.2); c.5186A>T, p.Glu1729Val (NM_053026.4); c.5240A>T, p.Glu1747Val (NM_053027.4); c.5033A>T, p.Glu1678Val (NM_053028.4); c.110A>T, p.Glu37Val (NM_053031.4); c.113A>T, p.Glu38Val (NM_053032.4); short protein forms E1747V, E1798V, E1622V, E37V, E38V, E1678V, E1729V.
Identifiers: ClinVar variation 3661720 (VCV003661720.2).